The following is an entry in ClinVar:

NM_002471.4(MYH6):c.2946G>A (p.Glu982=)

Gene: MYH6 (myosin heavy chain 6; minus strand). Cytogenetic location: 14q11.2.
Variant type: single nucleotide variant.
Coding change: c.2946G>A on transcript NM_002471.4 (MANE Select); coding-DNA position 2946, G replaced by A.
Protein change: p.Glu982=; no amino-acid change (glutamic acid 982 retained).
Molecular consequence: synonymous variant.
Genome position (GRCh38, 1-based): chr14:23,393,501, C>T on the plus strand (G>A on the coding strand, the complement: MYH6 is on the minus strand). VCF-style: chr14-23393501-C-T. GRCh37 (hg19) VCF-style: chr14-23862710-C-T.
Identifiers: ClinVar variation 44475 (VCV000044475.75), dbSNP rs145274612, ClinGen allele CA134305.

ClinVar aggregate classification (germline): Benign/Likely benign. Review status: criteria provided, multiple submitters, no conflicts (2 of 4 stars). 15 submissions from 15 submitters: Benign (10); Likely benign (1). 4 of the submissions do not count toward it. Last evaluated 2026-08-01.

Conditions:
Dilated cardiomyopathy 1EE (CMD1EE). Identifiers: Orphanet 154, MedGen C2750466, MONDO:0013198, OMIM 613252.
Hypertrophic cardiomyopathy 14. Identifiers: MedGen C2750467, MONDO:0013197, OMIM 613251.
Atrial septal defect 3 (ASD3). Identifiers: Orphanet 1478, MedGen C3279790, MONDO:0013567, OMIM 614089.
Hypertrophic cardiomyopathy 1 (CMH1). Also called: Familial hypertrophic cardiomyopathy 1; MYH7-Related Familial Hypertrophic Cardiomyopathy. Identifiers: MedGen C3495498, MONDO:0008647, OMIM 192600.
Sick sinus syndrome 3, susceptibility to (SSS3). Identifiers: Orphanet 166282, MedGen C3279791, MONDO:0013568, OMIM 614090.
Cardiovascular phenotype. Identifiers: MedGen CN230736.
Cardiomyopathy (CMYO). Also called: Cardiomyopathies. Identifiers: Orphanet 167848, MedGen C0878544, MONDO:0004994, HP:0001638. Inheritance: Various modes of inheritance.

Allele frequency attached by ClinVar (database versions not stated): 1000 Genomes Project 0.00419; 1000 Genomes Project 30x 0.00437; TOPMed 0.00731; gnomAD 0.01048 and 0.01001; ExAC 0.00985; gnomAD exomes 0.01061 and 0.01069; ESP Exome Variant Server 0.00861.
gnomAD v4.1: 17,135 of 1,614,126 alleles (1.1%); highest among the groups gnomAD compares: Non-Finnish European, 1.1%; 137 homozygotes.

Submissions (15):

CeGaT Center for Human Genetics Tuebingen
Classification: Benign. Last evaluated: 2026-08-01. Review status: criteria provided, single submitter. Criteria: CeGaT Center For Human Genetics Tuebingen Variant Classification Criteria Version 2. Collection method: clinical testing. Allele origin: germline. Affected: yes. Observed: 19 variant alleles.
Comment: MYH6: BP4, BP7, BS1, BS2

Labcorp Genetics (formerly Invitae), Labcorp
Classification: Benign for Hypertrophic cardiomyopathy 14. Last evaluated: 2026-02-03. Review status: criteria provided, single submitter. Criteria: Invitae Variant Classification Sherloc (09022015). Collection method: clinical testing. Allele origin: germline.

ARUP Laboratories, Molecular Genetics and Genomics, ARUP Laboratories
Classification: Benign. Last evaluated: 2024-12-17. Review status: criteria provided, single submitter. Criteria: ARUP Molecular Germline Variant Investigation Process 2024. Collection method: clinical testing. Allele origin: germline.

Blueprint Genetics
Classification: Likely benign. Last evaluated: 2024-11-25. Review status: criteria provided, single submitter. Criteria: ACMG Guidelines, 2015. Collection method: clinical testing. Allele origin: germline.

Fulgent Genetics
Classification: Benign for Hypertrophic cardiomyopathy 1; Hypertrophic cardiomyopathy 14; Dilated cardiomyopathy 1EE; Atrial septal defect 3; Sick sinus syndrome 3, susceptibility to. Last evaluated: 2022-02-17. Review status: criteria provided, single submitter. Criteria: ACMG Guidelines, 2015. Collection method: clinical testing. Allele origin: unknown.

Women's Health and Genetics/Laboratory Corporation of America, LabCorp
Classification: Benign. Last evaluated: 2018-05-29. Review status: criteria provided, single submitter. Criteria: LabCorp Variant Classification Summary - May 2015. Collection method: clinical testing. Allele origin: germline.
Comment: Variant summary: MYH6 c.2946G>A alters a non-conserved nucleotide resulting in a synonymous change. 5/5 computational tools predict no significant impact on normal splicing. However, these predictions have yet to be confirmed by functional studies. The variant allele was found at a frequency of 0.011 in 277200 control chromosomes in the gnomAD database, including 37 homozygotes. The observed variant frequency is approximately 439-folds higher than the estimated maximal expected allele frequency for a pathogenic variant in MYH6 causing Cardiomyopathy phenotype (2.5e-05), strongly suggesting that the variant is benign. The variant, c.2946G>A, has been reported in the literature in individuals affected with Cardiomyopathy (Posch_2011). This report does not provide an unequivocal conclusion about the association of the variant with Cardiomyopathy. To our knowledge, no experimental evidence demonstrating an impact on protein function has been reported. Multiple ClinVar submissions from clinical diagnostic laboratories (evaluation after 2014) cite the variant as "likely benign/benign." Based on the evidence outlined above, the variant was classified as benign.

GeneDx
Classification: Benign. Last evaluated: 2016-11-08. Review status: criteria provided, single submitter. Criteria: GeneDx Variant Classification (06012015). Collection method: clinical testing. Allele origin: germline. Affected: yes.
Comment: This variant is considered likely benign or benign based on one or more of the following criteria: it is a conservative change, it occurs at a poorly conserved position in the protein, it is predicted to be benign by multiple in silico algorithms, and/or has population frequency not consistent with disease.

CHEO Genetics Diagnostic Laboratory, Children's Hospital of Eastern Ontario
Classification: Benign for Cardiomyopathy. Last evaluated: 2015-11-18. Review status: criteria provided, single submitter. Criteria: ACMG Guidelines, 2015. Collection method: clinical testing. Allele origin: germline. Study: Canadian Open Genetics Repository.

Ambry Genetics
Classification: Benign for Cardiovascular phenotype. Last evaluated: 2014-12-18. Review status: criteria provided, single submitter. Criteria: Ambry Variant Classification Scheme 2023. Collection method: clinical testing. Allele origin: germline.

Laboratory for Molecular Medicine, Mass General Brigham Personalized Medicine
Classification: Benign. Last evaluated: 2012-01-27. Review status: criteria provided, single submitter. Criteria: LMM Criteria. Collection method: clinical testing. Allele origin: germline. Observed: 29 variant alleles.
Comment: Glu982Glu in exon 23 of MYH6: This variant is classified as benign based on its high frequency in the general population (dbSNP rs145274612; NHLBI Exome Sequenc ing Project).

Breakthrough Genomics
Classification: Benign. Review status: criteria provided, single submitter. Criteria: ACMG Guidelines, 2015. Collection method: not provided. Allele origin: germline. Inheritance: Autosomal dominant inheritance. Affected: yes.

Clinical Genetics DNA and cytogenetics Diagnostics Lab, Erasmus MC, Erasmus Medical Center
Classification: Benign. Review status: no assertion criteria provided. Collection method: clinical testing. Allele origin: germline. Affected: yes. Study: VKGL Data-share Consensus. Not counted in ClinVar's aggregate classification.

Clinical Genetics, Academic Medical Center
Classification: Benign. Review status: no assertion criteria provided. Collection method: clinical testing. Allele origin: germline. Affected: yes. Study: VKGL Data-share Consensus. Not counted in ClinVar's aggregate classification.

Diagnostic Laboratory, Department of Genetics, University Medical Center Groningen
Classification: Likely benign. Review status: no assertion criteria provided. Collection method: clinical testing. Allele origin: germline. Affected: yes. Study: VKGL Data-share Consensus. Not counted in ClinVar's aggregate classification.

Joint Genome Diagnostic Labs from Nijmegen and Maastricht, Radboudumc and MUMC+
Classification: Benign. Review status: no assertion criteria provided. Collection method: clinical testing. Allele origin: germline. Affected: yes. Study: VKGL Data-share Consensus. Not counted in ClinVar's aggregate classification.

Literature cited by the submitters: PubMed 22194935 (cited by Women's Health and Genetics/Laboratory Corporation of America, LabCorp).